The following is an entry in ClinVar:

NM_000079.4(CHRNA1):c.1045A>G (p.Met349Val)

Gene: CHRNA1 (cholinergic receptor nicotinic alpha 1 subunit; minus strand). Cytogenetic location: 2q31.1.
Variant type: single nucleotide variant.
Coding change: c.1045A>G on transcript NM_000079.4 (MANE Select); coding-DNA position 1045, A replaced by G.
Protein change: p.Met349Val; replaces methionine 349 with valine.
Molecular consequence: missense variant.
Genome position (GRCh38, 1-based): chr2:174,748,777, T>C on the plus strand (A>G on the coding strand, the complement: CHRNA1 is on the minus strand). VCF-style: chr2-174748777-T-C. GRCh37 (hg19) VCF-style: chr2-175613505-T-C.
Other names: c.1120A>G, p.Met374Val (NM_001039523.3); short protein forms M349V, M374V.
Identifiers: ClinVar variation 1016194 (VCV001016194.6), dbSNP rs760175390, ClinGen allele CA1974376.

ClinVar aggregate classification (germline): Uncertain significance (1 of 4 stars; one submission).

Conditions:
Lethal multiple pterygium syndrome (LMPS). Identifiers: Orphanet 33108, MedGen C1854678, MONDO:0009668, OMIM 253290.

Allele frequency attached by ClinVar (database versions not stated): gnomAD 0.00001; ExAC 0.00002; gnomAD exomes 0.00002 and 0.00006; TOPMed 0.00002.
gnomAD v4.1: 86 of 1,614,058 alleles (0.0053%); highest among the groups gnomAD compares: Non-Finnish European, 0.0072%; no homozygotes.

Submission:

Labcorp Genetics (formerly Invitae), Labcorp
Classification: Uncertain significance for Lethal multiple pterygium syndrome. Last evaluated: 2024-10-12. Review status: criteria provided, single submitter. Criteria: Invitae Variant Classification Sherloc (09022015). Collection method: clinical testing. Allele origin: germline.
Comment: This sequence change replaces methionine, which is neutral and non-polar, with valine, which is neutral and non-polar, at codon 349 of the CHRNA1 protein (p.Met349Val). This variant is present in population databases (rs760175390, gnomAD 0.004%). This variant has not been reported in the literature in individuals affected with CHRNA1-related conditions. ClinVar contains an entry for this variant (Variation ID: 1016194). Invitae Evidence Modeling of protein sequence and biophysical properties (such as structural, functional, and spatial information, amino acid conservation, physicochemical variation, residue mobility, and thermodynamic stability) indicates that this missense variant is not expected to disrupt CHRNA1 protein function with a negative predictive value of 80%. Algorithms developed to predict the effect of sequence changes on RNA splicing suggest that this variant may disrupt the consensus splice site. In summary, the available evidence is currently insufficient to determine the role of this variant in disease. Therefore, it has been classified as a Variant of Uncertain Significance.